The following is an entry in ClinVar:

ClinVar aggregate classification (germline): Likely pathogenic (1 of 4 stars; one submission).

Conditions:
LAMB2-related infantile-onset nephrotic syndrome. Also called: NEPHROTIC SYNDROME, TYPE 5, WITHOUT OCULAR ABNORMALITIES; NEPHROTIC SYNDROME, TYPE 5, WITH OCULAR ABNORMALITIES; Nephrotic Syndrome, type 5. Identifiers: Orphanet 306507, MedGen C3280113, MONDO:0013621, OMIM 614199.
Pierson syndrome. Also called: MICROCORIA-CONGENITAL NEPHROTIC SYNDROME. Identifiers: Orphanet 2670, MedGen C1836876, MONDO:0012184, OMIM 609049.

Submissions (2):

Labcorp Genetics (formerly Invitae), Labcorp
Classification: Likely pathogenic for LAMB2-related infantile-onset nephrotic syndrome; Pierson syndrome. Last evaluated: 2022-09-01. Review status: criteria provided, single submitter. Criteria: Invitae Variant Classification Sherloc (09022015). Collection method: clinical testing. Allele origin: germline.
Comment: In summary, the currently available evidence indicates that the variant is pathogenic, but additional data are needed to prove that conclusively. Therefore, this variant has been classified as Likely Pathogenic. Algorithms developed to predict the effect of sequence changes on RNA splicing suggest that this variant may disrupt the consensus splice site. This variant is not present in population databases (gnomAD no frequency). Disruption of this splice site has been observed in individual(s) with clinical features of congenital nephrotic syndrome (PMID: 27004562). This sequence change affects a donor splice site in intron 29 of the LAMB2 gene. It is expected to disrupt RNA splicing. Variants that disrupt the donor or acceptor splice site typically lead to a loss of protein function (PMID: 16199547), and loss-of-function variants in LAMB2 are known to be pathogenic (PMID: 15367484).

Dr. Peter K. Rogan Lab, Western University
No classification provided (evidence only). Condition: Ovarian serous cystadenocarcinoma. Review status: no classification provided. Collection method: in vitro. Allele origin: not applicable. Functional consequence: retained intron. Not counted in ClinVar's aggregate classification.

Literature cited by the submitters: PubMed 27004562 (cited by Labcorp Genetics (formerly Invitae), Labcorp); PubMed 16199547 (cited by Labcorp Genetics (formerly Invitae), Labcorp); PubMed 15367484 (cited by Labcorp Genetics (formerly Invitae), Labcorp).

NM_002292.4(LAMB2):c.4923+2T>G

Gene: LAMB2 (laminin subunit beta 2; minus strand). Cytogenetic location: 3p21.31.
Variant type: single nucleotide variant.
Coding change: c.4923+2T>G on transcript NM_002292.4 (MANE Select); the canonical splice donor site of the intron after coding-DNA position 4923, T replaced by G.
Molecular consequence: splice donor variant.
Genome position (GRCh38, 1-based): chr3:49,121,942, A>C on the plus strand (T>G on the coding strand, the complement: LAMB2 is on the minus strand). VCF-style: chr3-49121942-A-C. GRCh37 (hg19) VCF-style: chr3-49159375-A-C.
Identifiers: ClinVar variation 2203391 (VCV002203391.5), dbSNP rs1575527152, ClinGen allele CA352686324.